The following is an entry in ClinVar:

NM_003664.5(AP3B1):c.2627G>A (p.Arg876Gln)

Gene: AP3B1 (adaptor related protein complex 3 subunit beta 1; minus strand). Cytogenetic location: 5q14.1.
Variant type: single nucleotide variant.
Coding change: c.2627G>A on transcript NM_003664.5 (MANE Select); coding-DNA position 2627, G replaced by A.
Protein change: p.Arg876Gln; replaces arginine 876 with glutamine.
Molecular consequence: missense variant.
Genome position (GRCh38, 1-based): chr5:78,039,225, C>T on the plus strand (G>A on the coding strand, the complement: AP3B1 is on the minus strand). VCF-style: chr5-78039225-C-T. GRCh37 (hg19) VCF-style: chr5-77335049-C-T.
Other names: p.Arg876Gln; c.2480G>A, p.Arg827Gln (NM_001271769.2); c.2627G>A (NM_003664.4); short protein forms R876Q, R827Q.
Identifiers: ClinVar variation 1412698 (VCV001412698.7), dbSNP rs772186737, ClinGen allele CA3316707.

ClinVar aggregate classification (germline): Conflicting classifications of pathogenicity. Review status: criteria provided, conflicting classifications (1 of 4 stars). 2 submissions from 2 submitters: Uncertain significance (1); Likely benign (1). Last evaluated 2025-10-01.

Conditions:
Hermansky-Pudlak syndrome 2 (HPS2). Also called: Platelet defects and oculocutaneous albinism. Identifiers: Orphanet 183678, Orphanet 79430, MedGen C1842362, MONDO:0011997, OMIM 608233.

Allele frequency attached by ClinVar (database versions not stated): gnomAD 0.00001; TOPMed 0.00001; gnomAD exomes 0.00003 and 0.00004; ExAC 0.00005.
gnomAD v4.1: 57 of 1,613,914 alleles (0.0035%); highest among the groups gnomAD compares: Non-Finnish European, 0.0045%; no homozygotes.

Submissions (2):

Mayo Clinic Laboratories, Mayo Clinic
Classification: Likely benign. Last evaluated: 2025-10-01. Review status: criteria provided, single submitter. Criteria: ACMG Guidelines, 2015. Collection method: clinical testing. Allele origin: germline. Observed: 1 variant allele.
Comment: BS1, BP4

Labcorp Genetics (formerly Invitae), Labcorp
Classification: Uncertain significance for Hermansky-Pudlak syndrome 2. Last evaluated: 2022-09-21. Review status: criteria provided, single submitter. Criteria: Invitae Variant Classification Sherloc (09022015). Collection method: clinical testing. Allele origin: germline.
Comment: In summary, the available evidence is currently insufficient to determine the role of this variant in disease. Therefore, it has been classified as a Variant of Uncertain Significance. Algorithms developed to predict the effect of missense changes on protein structure and function (SIFT, PolyPhen-2, Align-GVGD) all suggest that this variant is likely to be tolerated. ClinVar contains an entry for this variant (Variation ID: 1412698). This variant has not been reported in the literature in individuals affected with AP3B1-related conditions. This variant is present in population databases (rs772186737, gnomAD 0.006%). This sequence change replaces arginine, which is basic and polar, with glutamine, which is neutral and polar, at codon 876 of the AP3B1 protein (p.Arg876Gln).